The following is an entry in ClinVar:

NM_000214.3(JAG1):c.3006_3024dup (p.Asn1009fs)

Gene: JAG1 (jagged canonical Notch ligand 1; minus strand). Cytogenetic location: 20p12.2.
Variant type: Duplication.
Coding change: c.3006_3024dup on transcript NM_000214.3 (MANE Select); coding-DNA positions 3006 to 3024, 19 bases duplicated (CGAGCCTTCCCCTTCAGCG).
Protein change: p.Asn1009fs; shifts the reading frame from asparagine 1009.
Molecular consequence: frameshift variant.
Genome position (GRCh38, 1-based): chr20:10,641,137-10,641,155, CGCTGAAGGGGAAGGCTCG duplicated on the plus strand (CGAGCCTTCCCCTTCAGCG on the coding strand, the reverse complement: JAG1 is on the minus strand); duplicating any 19 consecutive bases within chr20:10,641,137-10,641,156 gives the same sequence; the c. name uses the placement nearest the transcript's 3' end. VCF-style (leftmost placement, unchanged base first): chr20-10641136-T-TCGCTGAAGGGGAAGGCTCG. GRCh37 (hg19) VCF-style: chr20-10621784-T-TCGCTGAAGGGGAAGGCTCG.
Other names: short protein forms N1009fs.
Identifiers: ClinVar variation 1377719 (VCV001377719.6), dbSNP rs2122595693, ClinGen allele CA2573156853.

ClinVar aggregate classification (germline): Pathogenic (1 of 4 stars; one submission).

Conditions:
Alagille syndrome due to a JAG1 point mutation. Also called: HEPATIC DUCTULAR HYPOPLASIA, SYNDROMATIC; Alagille Syndrome 1; JAG1-Related Alagille Syndrome. Identifiers: Orphanet 261619, Orphanet 52, MedGen C1956125, MONDO:0016862, OMIM 118450.

Submission:

Labcorp Genetics (formerly Invitae), Labcorp
Classification: Pathogenic for Alagille syndrome due to a JAG1 point mutation. Last evaluated: 2020-11-05. Review status: criteria provided, single submitter. Criteria: Invitae Variant Classification Sherloc (09022015). Collection method: clinical testing. Allele origin: germline.
Comment: For these reasons, this variant has been classified as Pathogenic. This sequence change creates a premature translational stop signal (p.Asn1009Argfs*9) in the JAG1 gene. It is expected to result in an absent or disrupted protein product. Loss-of-function variants in JAG1 are known to be pathogenic (PMID: 11180599). This variant is not present in population databases (ExAC no frequency). This variant has not been reported in the literature in individuals with JAG1-related conditions. Algorithms developed to predict the effect of sequence changes on RNA splicing suggest that this variant may create or strengthen a splice site, but this prediction has not been confirmed by published transcriptional studies.

Literature cited by the submitters: PubMed 11180599.